The following continues an entry in ClinVar:

NM_007294.4(BRCA1):c.2312T>C (p.Leu771Ser)

Gene: BRCA1. ClinVar aggregate classification (germline): Conflicting classifications of pathogenicity. Uncertain significance (9); Likely benign (1).

Submissions 7 to 11 of 11:

All of Us Research Program, National Institutes of Health
Classification: Uncertain significance for Breast-ovarian cancer, familial, susceptibility to, 1. Last evaluated: 2023-06-08. Review status: criteria provided, single submitter. Criteria: ACMG Guidelines, 2015. Collection method: clinical testing. Allele origin: germline. Inheritance: Autosomal dominant inheritance. Observed: 1 variant allele, 1 heterozygote.
Comment: This missense variant replaces leucine with serine at codon 771 of the BRCA1 protein. Computational prediction suggests that this variant may not impact protein structure and function (internally defined REVEL score threshold <= 0.5, PMID: 27666373). To our knowledge, functional studies have not been reported for this variant. This variant has been observed in an individual affected with ovarian cancer (PMID: 24321281) and a suspected hereditary breast and ovarian cancer family (PMID: 29088781). This variant also has been reported in breast, prostate and pancreatic cancer case-control studies in the Japanese population, in which this variant was detected in one unaffected individual in each study and absent in cancer cases (PMID: 30287823, 31214711, 32980694). This variant has been identified in 1/251042 chromosomes in the general population by the Genome Aggregation Database (gnomAD). The available evidence is insufficient to determine the role of this variant in disease conclusively. Therefore, this variant is classified as a Variant of Uncertain Significance.

This study involves interpretation of variants in research participants for the purpose of population health screening. Participant phenotype was not available at the time of variant classification. Additional details can be found in publication PMID: 35346344, PMCID: PMC8962531

University of Washington Department of Laboratory Medicine, University of Washington
Classification: Likely benign for Hereditary cancer-predisposing syndrome. Last evaluated: 2023-03-23. Review status: criteria provided, single submitter. Criteria: Dines et al. (Genet Med. 2020). Collection method: curation. Allele origin: germline.
Comment: Missense variant in a coldspot region where missense variants are very unlikely to be pathogenic (PMID:31911673).

BRCA1 coldspot (exon 11 using historical exon numbering). Reclassification based on statistical prior probability

Quest Diagnostics Nichols Institute San Juan Capistrano
Classification: Uncertain significance. Last evaluated: 2023-02-10. Review status: criteria provided, single submitter. Criteria: Quest Diagnostics criteria. Collection method: clinical testing. Allele origin: unknown.
Comment: The frequency of this variant in the general population, 0.000004 (1/251042 chromosomes), is uninformative in assessment of its pathogenicity. In the published literature, the variant has been reported in individuals with breast cancer (PMID: 29088781 (2017)) and ovarian cancer (PMID: 24321281 (2013)). In addition, this variant has been reported in healthy control individuals (PMIDs: 30287823 (2018), 31214711 (2020), and 32980694 (2020)). Analysis of this variant using bioinformatics tools for the prediction of the effect of amino acid changes on protein structure and function yielded predictions that this variant is damaging. Based on the available information, we are unable to determine the clinical significance of this variant.

GeneDx
Classification: Uncertain significance. Last evaluated: 2020-09-22. Review status: criteria provided, single submitter. Criteria: GeneDx Variant Classification Process June 2021. Collection method: clinical testing. Allele origin: germline. Affected: yes.
Comment: Not observed at a significant frequency in large population cohorts (Lek 2016); In silico analysis supports that this missense variant has a deleterious effect on protein structure/function; Observed in individuals with breast or ovarian cancer as well as in a control population (Li 2013, Alvarez 2017, Momozawa 2018); Also known as 2431T>C; This variant is associated with the following publications: (PMID: 24321281, 30287823, 29088781, 30702160)

PreventionGenetics, part of Exact Sciences
Classification: Uncertain significance for BRCA1-related condition. Last evaluated: 2024-06-17. Review status: no assertion criteria provided. Collection method: clinical testing. Allele origin: germline. Not counted in ClinVar's aggregate classification.
Comment: The BRCA1 c.2312T>C variant is predicted to result in the amino acid substitution p.Leu771Ser. This variant occurs within a region of the BRCA1 gene that is predicted to be tolerant to missense variation (Table 2, Dines et al. 2020. PubMed ID: 31911673). This variant was reported in individuals with breast and/or ovarian cancer (Supplementary Table 1 in Alvarez et al. 2017. PubMed ID: 29088781; Table S4 in Bhaskaran. 2019. PubMed ID: 30702160) and also in control individuals (Supplementary Data 2 in Momozawa. 2018. PubMed ID: 30287823; Supplementary Table 2 in Okawa. 2023. PubMed ID: 36243179). This variant is reported in 0.00088% of alleles in individuals of European (Non-Finnish) descent in gnomAD and has conflicting interpretations in ClinVar ranging from uncertain to likely benign. At this time, the clinical significance of this variant is uncertain due to the absence of conclusive functional and genetic evidence.

Literature cited by the submitters: PubMed 24321281 (cited by 6 submitters); PubMed 29088781 (cited by 7 submitters); PubMed 30702160 (cited by Labcorp Genetics (formerly Invitae), Labcorp and Quest Diagnostics Nichols Institute San Juan Capistrano); PubMed 30287823 (cited by 6 submitters); PubMed 31214711 (cited by 3 submitters); PubMed 31853058 (cited by Color Diagnostics, LLC DBA Color Health); PubMed 32980694 (cited by 3 submitters); PubMed 34981296 (cited by Color Diagnostics, LLC DBA Color Health and Women's Health and Genetics/Laboratory Corporation of America, LabCorp); PubMed 8723683 (cited by Women's Health and Genetics/Laboratory Corporation of America, LabCorp); PubMed 36243179 (cited by Women's Health and Genetics/Laboratory Corporation of America, LabCorp); PubMed 26848529 (cited by Quest Diagnostics Nichols Institute San Juan Capistrano); PubMed 26295337 (cited by Quest Diagnostics Nichols Institute San Juan Capistrano).